The following is an entry in ClinVar:

ClinVar aggregate classification (germline): Likely benign (1 of 4 stars; one submission).

Allele frequency attached by ClinVar (database versions not stated): gnomAD exomes below 0.00001.
gnomAD v4.1: 1 of 1,611,312 alleles (0.000062%); highest among the groups gnomAD compares: Non-Finnish European, 0.000085%; no homozygotes.

Submission:

CeGaT Center for Human Genetics Tuebingen
Classification: Likely benign. Last evaluated: 2022-06-01. Review status: criteria provided, single submitter. Criteria: CeGaT Center For Human Genetics Tuebingen Variant Classification Criteria Version 2. Collection method: clinical testing. Allele origin: germline. Affected: yes. Observed: 1 variant allele.
Comment: WDR1: PM2:Supporting, BP4, BP7

NM_017491.5(WDR1):c.1461G>A (p.Glu487=)

Gene: WDR1 (WD repeat domain 1; minus strand). Cytogenetic location: 4p16.1.
Variant type: single nucleotide variant.
Coding change: c.1461G>A on transcript NM_017491.5 (MANE Select); coding-DNA position 1461, G replaced by A.
Protein change: p.Glu487=; no amino-acid change (glutamic acid 487 retained).
Molecular consequence: synonymous variant.
Genome position (GRCh38, 1-based): chr4:10,077,861, C>T on the plus strand (G>A on the coding strand, the complement: WDR1 is on the minus strand). VCF-style: chr4-10077861-C-T. GRCh37 (hg19) VCF-style: chr4-10079485-C-T.
Other names: c.1041G>A, p.Glu347= (NM_005112.5).
Identifiers: ClinVar variation 2654665 (VCV002654665.24), dbSNP rs2547343930, ClinGen allele CA438531546.